The following is an entry in ClinVar:

ClinVar aggregate classification (germline): Uncertain significance. Review status: criteria provided, multiple submitters, no conflicts (2 of 4 stars). 2 submissions from 2 submitters: Uncertain significance (2). Last evaluated 2025-03-27.

Conditions:
Inborn genetic diseases. Identifiers: MedGen C0950123, MeSH D030342.

gnomAD v4.1: 81 of 1,613,610 alleles (0.005%); highest among the groups gnomAD compares: Non-Finnish European, 0.0064%; no homozygotes.

Submissions (2):

Ambry Genetics
Classification: Uncertain significance for Inborn genetic diseases. Last evaluated: 2025-03-27. Review status: criteria provided, single submitter. Criteria: Ambry Variant Classification Scheme 2023. Collection method: clinical testing. Allele origin: germline.

GeneDx
Classification: Uncertain significance. Last evaluated: 2023-11-22. Review status: criteria provided, single submitter. Criteria: GeneDx Variant Classification Process June 2021. Collection method: clinical testing. Allele origin: germline. Affected: yes.
Comment: In silico analysis supports that this missense variant has a deleterious effect on protein structure/function; Has not been previously published as pathogenic or benign to our knowledge

NM_015378.4(VPS13D):c.88C>A (p.Leu30Ile)

Gene: VPS13D (vacuolar protein sorting 13 homolog D; plus strand). Cytogenetic location: 1p36.22.
Variant type: single nucleotide variant.
Coding change: c.88C>A on transcript NM_015378.4 (MANE Select); coding-DNA position 88, C replaced by A.
Protein change: p.Leu30Ile; replaces leucine 30 with isoleucine.
Molecular consequence: missense variant.
Genome position (GRCh38, 1-based): chr1:12,234,354, C>A. VCF-style: chr1-12234354-C-A. GRCh37 (hg19) VCF-style: chr1-12294411-C-A.
Other names: c.88C>A, p.Leu30Ile (NM_018156.4); c.88C>A (NM_015378.2); short protein forms L30I.
Identifiers: ClinVar variation 3364520 (VCV003364520.2).